The following is an entry in ClinVar:

ClinVar aggregate classification (germline): Uncertain significance (1 of 4 stars; one submission).

Conditions:
Hereditary cancer-predisposing syndrome. Also called: Neoplastic Syndromes, Hereditary; Hereditary Cancer Syndrome; Tumor predisposition; Hereditary neoplastic syndrome. Identifiers: Orphanet 140162, MedGen C0027672, MeSH D009386, MONDO:0015356.

Submission:

Ambry Genetics
Classification: Uncertain significance for Hereditary cancer-predisposing syndrome. Last evaluated: 2025-01-20. Review status: criteria provided, single submitter. Criteria: Ambry Variant Classification Scheme 2023. Collection method: clinical testing. Allele origin: germline.
Comment: The p.L92R variant (also known as c.275T>G), located in coding exon 2 of the TMEM127 gene, results from a T to G substitution at nucleotide position 275. The leucine at codon 92 is replaced by arginine, an amino acid with dissimilar properties. This amino acid position is conserved. In addition, this alteration is predicted to be deleterious by in silico analysis. Based on the available evidence, the clinical significance of this variant remains unclear.

NM_017849.4(TMEM127):c.275T>G (p.Leu92Arg)

Gene: TMEM127 (transmembrane protein 127; minus strand). Cytogenetic location: 2q11.2.
Variant type: single nucleotide variant.
Coding change: c.275T>G on transcript NM_017849.4 (MANE Select); coding-DNA position 275, T replaced by G.
Protein change: p.Leu92Arg; replaces leucine 92 with arginine.
Molecular consequence: missense variant.
Genome position (GRCh38, 1-based): chr2:96,254,967, A>C on the plus strand (T>G on the coding strand, the complement: TMEM127 is on the minus strand). VCF-style: chr2-96254967-A-C. GRCh37 (hg19) VCF-style: chr2-96920705-A-C.
Other names: c.275T>G, p.Leu92Arg (NM_001193304.3); c.23T>G, p.Leu8Arg (NM_001407282.1, NM_001407283.1); short protein forms L8R, L92R.
Identifiers: ClinVar variation 3807746 (VCV003807746.1).